The following is an entry in ClinVar:

ClinVar aggregate classification (germline): Pathogenic/Likely pathogenic. Review status: criteria provided, multiple submitters, no conflicts (2 of 4 stars). 6 submissions from 6 submitters: Pathogenic (2); Likely pathogenic (2). 2 of the submissions do not count toward it. Last evaluated 2024-09-11.

Conditions:
Hereditary cancer-predisposing syndrome. Also called: Tumor predisposition; Hereditary neoplastic syndrome; Neoplastic Syndromes, Hereditary; Hereditary Cancer Syndrome. Identifiers: Orphanet 140162, MedGen C0027672, MeSH D009386, MONDO:0015356.
Familial adenomatous polyposis 1 (FAP1). Also called: FAMILIAL ADENOMATOUS POLYPOSIS 1, ATTENUATED; POLYPOSIS, ADENOMATOUS INTESTINAL. Identifiers: MedGen C2713442, MONDO:0021056, OMIM 175100. Disease mechanism: loss of function.

Submissions (6):

Ambry Genetics
Classification: Pathogenic for Hereditary cancer-predisposing syndrome. Last evaluated: 2024-09-11. Review status: criteria provided, single submitter. Criteria: Ambry Variant Classification Scheme 2023. Collection method: clinical testing. Allele origin: germline.
Comment: The c.646-1G>A intronic pathogenic mutation results from a G to A substitution one nucleotide before coding exon 6 of the APC gene. This mutation has been detected in multiple familial adenomatous polyposis (FAP) patients and families (van der Luijt et al. Hum Mutat. 1997;9(1):7-16; Crobach S et al. Fam. Cancer 2012 Dec; Tsukanov AS et al. Russian Journal of Genetics, 2017;53(3):369-75). cDNA analysis indicated that this mutation causes aberrant splicing and leads to a premature stop codon at codon 292 (Aceto et al. Hum Mutat. 2005 Oct;26(4):394). In addition to the clinical data presented in the literature, alterations that disrupt the canonical splice site are expected to cause aberrant splicing, resulting in an abnormal protein or a transcript that is subject to nonsense-mediated mRNA decay. As such, this alteration is classified as a disease-causing mutation.

Myriad Genetics, Inc.
Classification: Likely pathogenic for Familial adenomatous polyposis 1. Last evaluated: 2023-04-27. Review status: criteria provided, single submitter. Criteria: Myriad Autosomal Dominant, Autosomal Recessive and X-Linked Classification Criteria (2023). Collection method: clinical testing. Allele origin: unknown.
Comment: This variant is considered likely pathogenic. This variant occurs within a consensus splice junction and is predicted to result in abnormal mRNA splicing of either an out-of-frame exon or an in-frame exon necessary for protein stability and/or normal function.

Clinical Genetics Laboratory, Skane University Hospital Lund
Classification: Pathogenic. Last evaluated: 2022-10-17. Review status: criteria provided, single submitter. Criteria: ACMG Guidelines, 2015. Collection method: clinical testing. Allele origin: germline. Affected: yes.

Labcorp Genetics (formerly Invitae), Labcorp
Classification: Likely pathogenic for Familial adenomatous polyposis 1. Last evaluated: 2021-08-03. Review status: criteria provided, single submitter. Criteria: Invitae Variant Classification Sherloc (09022015). Collection method: clinical testing. Allele origin: germline.
Comment: This sequence change affects an acceptor splice site in intron 6 of the APC gene. It is expected to disrupt RNA splicing. Variants that disrupt the donor or acceptor splice site typically lead to a loss of protein function (PMID: 16199547), and loss-of-function variants in APC are known to be pathogenic (PMID: 17963004, 20685668). This variant is not present in population databases (ExAC no frequency). Disruption of this splice site has been observed in individual(s) with familial adenomatous polyposis (PMID: 8990002, 31062380, 31113927). Algorithms developed to predict the effect of sequence changes on RNA splicing suggest that this variant may disrupt the consensus splice site. In summary, the currently available evidence indicates that the variant is pathogenic, but additional data are needed to prove that conclusively. Therefore, this variant has been classified as Likely Pathogenic.

Clinical Genetics DNA and cytogenetics Diagnostics Lab, Erasmus MC, Erasmus Medical Center
Classification: Pathogenic. Review status: no assertion criteria provided. Collection method: clinical testing. Allele origin: germline. Affected: yes. Study: VKGL Data-share Consensus. Not counted in ClinVar's aggregate classification.

Joint Genome Diagnostic Labs from Nijmegen and Maastricht, Radboudumc and MUMC+
Classification: Pathogenic. Review status: no assertion criteria provided. Collection method: clinical testing. Allele origin: germline. Affected: yes. Study: VKGL Data-share Consensus. Not counted in ClinVar's aggregate classification.

Literature cited by the submitters: PubMed 16134147 (cited by Ambry Genetics); PubMed 20232483 (cited by Ambry Genetics); PubMed 22941256 (cited by Ambry Genetics); PubMed 8990002 (cited by Ambry Genetics and Labcorp Genetics (formerly Invitae), Labcorp); PubMed 16199547 (cited by Labcorp Genetics (formerly Invitae), Labcorp); PubMed 17963004 (cited by Labcorp Genetics (formerly Invitae), Labcorp); PubMed 20685668 (cited by Labcorp Genetics (formerly Invitae), Labcorp); PubMed 31062380 (cited by Labcorp Genetics (formerly Invitae), Labcorp); PubMed 31113927 (cited by Labcorp Genetics (formerly Invitae), Labcorp).

NM_000038.6(APC):c.646-1G>A

Gene: APC (APC regulator of Wnt signaling pathway; plus strand). Cytogenetic location: 5q22.2.
Variant type: single nucleotide variant.
Coding change: c.646-1G>A on transcript NM_000038.6 (MANE Select); the canonical splice acceptor site of the intron before coding-DNA position 646, G replaced by A.
Molecular consequence: splice acceptor variant. On other transcripts: intron variant (5).
Genome position (GRCh38, 1-based): chr5:112,792,445, G>A. VCF-style: chr5-112792445-G-A. GRCh37 (hg19) VCF-style: chr5-112128142-G-A.
Other names: c.-390-1G>A (NM_001407470.1, NM_001407472.1, NM_001354906.2 and 1 more transcripts); c.646-1G>A (NM_001407447.1, NM_001354895.2, NM_001407456.1 and 12 more transcripts); c.646-8834G>A (NM_001407452.1, NM_001407469.1, NM_001354899.2 and 1 more transcripts); c.676-1G>A (NM_001407446.1, NM_001354897.2, NM_001354902.2); c.676-8834G>A (NM_001127511.3); c.469-1G>A (NM_001407453.1, NM_001354900.2, NM_001354901.2 and 1 more transcripts); c.571-1G>A (NM_001407451.1, NM_001354898.2, NM_001354904.2).
Identifiers: ClinVar variation 1297545 (VCV001297545.14), dbSNP rs78847145, ClinGen allele CA360617505.